The following is an entry in ClinVar:

ClinVar aggregate classification (germline): Uncertain significance (1 of 4 stars; one submission).

Conditions:
Methylmalonic acidemia due to transcobalamin receptor defect (MATR). Also called: METHYLMALONIC ACIDEMIA, TCblR TYPE; METHYLMALONIC ACIDURIA, TRANSIENT, DUE TO TRANSCOBALAMIN RECEPTOR DEFECT. Identifiers: Orphanet 280183, MedGen C4749905, MONDO:0013341, OMIM 613646.

Submission:

Labcorp Genetics (formerly Invitae), Labcorp
Classification: Uncertain significance for Methylmalonic acidemia due to transcobalamin receptor defect. Last evaluated: 2021-12-28. Review status: criteria provided, single submitter. Criteria: Invitae Variant Classification Sherloc (09022015). Collection method: clinical testing. Allele origin: germline.
Comment: This sequence change replaces glycine, which is neutral and non-polar, with valine, which is neutral and non-polar, at codon 105 of the CD320 protein (p.Gly105Val). In summary, the available evidence is currently insufficient to determine the role of this variant in disease. Therefore, it has been classified as a Variant of Uncertain Significance. Algorithms developed to predict the effect of missense changes on protein structure and function output the following: SIFT: "Deleterious"; PolyPhen-2: "Benign"; Align-GVGD: "Class C0". The valine amino acid residue is found in multiple mammalian species, which suggests that this missense change does not adversely affect protein function. This variant has not been reported in the literature in individuals affected with CD320-related conditions. This variant is not present in population databases (gnomAD no frequency).

NM_016579.4(CD320):c.314G>T (p.Gly105Val)

Gene: CD320 (CD320 molecule; minus strand). Cytogenetic location: 19p13.2.
Variant type: single nucleotide variant.
Coding change: c.314G>T on transcript NM_016579.4 (MANE Select); coding-DNA position 314, G replaced by T.
Protein change: p.Gly105Val; replaces glycine 105 with valine.
Molecular consequence: missense variant.
Genome position (GRCh38, 1-based): chr19:8,304,043, C>A on the plus strand (G>T on the coding strand, the complement: CD320 is on the minus strand). VCF-style: chr19-8304043-C-A. GRCh37 (hg19) VCF-style: chr19-8368927-C-A.
Other names: c.188G>T, p.Gly63Val (NM_001165895.2); short protein forms G63V, G105V.
Identifiers: ClinVar variation 2062092 (VCV002062092.4), dbSNP rs867215292, ClinGen allele CA304982743.
Genomic context (GRCh38, chr19:8,304,043, plus strand): 5'-CGCAGTTTCTTGTCAGTTCCCCCAGAGCAGTCACTGACGCCGGTGCAGGGGCAGGGGAGG[C>A]CAGGGGGCGGTGGGCATTGCCCTTTCTGGGTACATGGCTCAATCCCTGGGGCACAGGGTT-3'
Protein context (NP_057663.1, residues 95-115): TQKGQCPPPP[Gly105Val]LPCPCTGVSD